The following is an entry in ClinVar:

ClinVar aggregate classification (germline): Conflicting classifications of pathogenicity. Review status: criteria provided, conflicting classifications (1 of 4 stars). 8 submissions from 8 submitters: Uncertain significance (5); Likely benign (2). 1 of the submissions does not count toward it. Last evaluated 2025-10-06.

Conditions:
Cardiovascular phenotype. Identifiers: MedGen CN230736.
Alstrom syndrome (ALMS). Identifiers: Orphanet 64, MedGen C0268425, MONDO:0008763, OMIM 203800.

Allele frequency attached by ClinVar (database versions not stated): gnomAD exomes 0.00004; 1000 Genomes Project 30x 0.00016; 1000 Genomes Project 0.00020; ESP Exome Variant Server 0.00033; gnomAD 0.00041 and 0.00045; TOPMed 0.00048.
gnomAD v4.1: 131 of 1,614,036 alleles (0.0081%); highest among the groups gnomAD compares: African/African-American, 0.16%; no homozygotes.

Submissions (8):

Women's Health and Genetics/Laboratory Corporation of America, LabCorp
Classification: Uncertain significance. Last evaluated: 2025-10-06. Review status: criteria provided, single submitter. Criteria: LabCorp Variant Classification Summary - May 2015. Collection method: clinical testing. Allele origin: germline.
Comment: Variant summary: ALMS1 c.11252A>G (p.Asn3751Ser) results in a conservative amino acid change in the encoded protein sequence. Algorithms developed to predict the effect of missense changes on protein structure and function all suggest that this variant is likely to be tolerated. The variant allele was found at a frequency of 0.00011 in 248086 control chromosomes, predominantly at a frequency of 0.0018 within the African or African-American subpopulation in the gnomAD database. This frequency is not significantly higher than estimated for disease-causing variants in ALMS1, allowing no conclusion about variant significance. To our knowledge, no occurrence of c.11252A>G in individuals affected with ALMS1-related conditions and no experimental evidence demonstrating its impact on protein function have been reported. ClinVar contains an entry for this variant (Variation ID: 450189). Based on the evidence outlined above, the variant was classified as uncertain significance.

GeneDx
Classification: Uncertain significance. Last evaluated: 2024-12-10. Review status: criteria provided, single submitter. Criteria: GeneDx Variant Classification Process June 2021. Collection method: clinical testing. Allele origin: germline. Affected: yes.
Comment: In silico analysis supports that this missense variant does not alter protein structure/function; Has not been previously published as pathogenic or benign to our knowledge

ARUP Laboratories, Molecular Genetics and Genomics, ARUP Laboratories
Classification: Uncertain significance for Alstrom syndrome. Last evaluated: 2023-11-06. Review status: criteria provided, single submitter. Criteria: ARUP Molecular Germline Variant Investigation Process 2024. Collection method: clinical testing. Allele origin: germline.
Comment: The ALMS2 c.11255A>G; p.Asn3752Ser variant (rs199917289), to our knowledge, is not reported in the medical literature but is reported in ClinVar (Variation ID: 450189). This variant is found in the African population with an allele frequency of 0.17% (42/24,134 alleles) in the Genome Aggregation Database. Computational analyses predict that this variant is neutral (REVEL: 0.045). Given the lack of clinical and functional data, the significance of the p.Asn3752Ser variant is uncertain at this time.

Blueprint Genetics
Classification: Likely benign. Last evaluated: 2022-10-11. Review status: criteria provided, single submitter. Criteria: ACMG Guidelines, 2015. Collection method: clinical testing. Allele origin: germline.

Labcorp Genetics (formerly Invitae), Labcorp
Classification: Uncertain significance for Alstrom syndrome. Last evaluated: 2022-09-27. Review status: criteria provided, single submitter. Criteria: Invitae Variant Classification Sherloc (09022015). Collection method: clinical testing. Allele origin: germline.
Comment: This sequence change replaces asparagine, which is neutral and polar, with serine, which is neutral and polar, at codon 3753 of the ALMS1 protein (p.Asn3753Ser). This variant is present in population databases (rs199917289, gnomAD 0.2%). This variant has not been reported in the literature in individuals affected with ALMS1-related conditions. ClinVar contains an entry for this variant (Variation ID: 450189). In summary, the available evidence is currently insufficient to determine the role of this variant in disease. Therefore, it has been classified as a Variant of Uncertain Significance.

Fulgent Genetics
Classification: Uncertain significance for Alstrom syndrome. Last evaluated: 2022-05-06. Review status: criteria provided, single submitter. Criteria: ACMG Guidelines, 2015. Collection method: clinical testing. Allele origin: unknown.

Ambry Genetics
Classification: Likely benign for Cardiovascular phenotype. Last evaluated: 2021-05-25. Review status: criteria provided, single submitter. Criteria: Ambry Variant Classification Scheme 2023. Collection method: clinical testing. Allele origin: germline.

Natera, Inc.
Classification: Uncertain significance for Alstrom syndrome. Last evaluated: 2021-06-30. Review status: no assertion criteria provided. Collection method: clinical testing. Allele origin: germline. Not counted in ClinVar's aggregate classification.

NM_001378454.1(ALMS1):c.11255A>G (p.Asn3752Ser)

Gene: ALMS1 (ALMS1 centrosome and basal body associated protein; plus strand). Cytogenetic location: 2p13.1.
Variant type: single nucleotide variant.
Coding change: c.11255A>G on transcript NM_001378454.1 (MANE Select); coding-DNA position 11255, A replaced by G.
Protein change: p.Asn3752Ser; replaces asparagine 3752 with serine.
Molecular consequence: missense variant.
Genome position (GRCh38, 1-based): chr2:73,573,132, A>G. VCF-style: chr2-73573132-A-G. GRCh37 (hg19) VCF-style: chr2-73800259-A-G.
Other names: c.11258A>G, p.Asn3753Ser (NM_015120.4); short protein forms N3753S, N3752S.
Identifiers: ClinVar variation 450189 (VCV000450189.20), dbSNP rs199917289, ClinGen allele CA1715145.